The following is an entry in ClinVar:

ClinVar aggregate classification (germline): Uncertain significance (1 of 4 stars; one submission).

Conditions:
Hereditary cancer-predisposing syndrome. Also called: Neoplastic Syndromes, Hereditary; Tumor predisposition; Hereditary neoplastic syndrome; Hereditary Cancer Syndrome. Identifiers: Orphanet 140162, MedGen C0027672, MeSH D009386, MONDO:0015356.

Submission:

Ambry Genetics
Classification: Uncertain significance for Hereditary cancer-predisposing syndrome. Last evaluated: 2019-02-27. Review status: criteria provided, single submitter. Criteria: Ambry Variant Classification Scheme 2023. Collection method: clinical testing. Allele origin: germline.
Comment: The p.D1450G variant (also known as c.4349A>G), located in coding exon 30 of the SMARCA4 gene, results from an A to G substitution at nucleotide position 4349. The aspartic acid at codon 1450 is replaced by glycine, an amino acid with similar properties. This amino acid position is well conserved in available vertebrate species. In addition, the in silico prediction for this alteration is inconclusive. Since supporting evidence is limited at this time, the clinical significance of this alteration remains unclear.

NM_003072.5(SMARCA4):c.4253A>G (p.Asp1418Gly)

Gene: SMARCA4 (SWI/SNF related BAF chromatin remodeling complex subunit ATPase 4; plus strand). Cytogenetic location: 19p13.2.
Variant type: single nucleotide variant.
Coding change: c.4253A>G on transcript NM_003072.5 (MANE Select); coding-DNA position 4253, A replaced by G.
Protein change: p.Asp1418Gly; replaces aspartic acid 1418 with glycine.
Molecular consequence: missense variant. On other transcripts: non-coding transcript variant (1).
Genome position (GRCh38, 1-based): chr19:11,041,389, A>G. VCF-style: chr19-11041389-A-G. GRCh37 (hg19) VCF-style: chr19-11152065-A-G.
Other names: c.4253A>G, p.Asp1418Gly (NM_001128844.3); c.4163A>G, p.Asp1388Gly (NM_001128845.2, NM_001128846.2); c.4154A>G, p.Asp1385Gly (NM_001128847.4, NM_001128848.2, NM_001374457.1); c.4349A>G, p.Asp1450Gly (NM_001128849.3); short protein forms D1385G, D1388G, D1450G, D1418G.
Identifiers: ClinVar variation 824813 (VCV000824813.4), dbSNP rs1600467006, ClinGen allele CA404073250.